The following is an entry in ClinVar:

NM_000092.5(COL4A4):c.977G>A (p.Gly326Glu)

Gene: COL4A4 (collagen type IV alpha 4 chain; minus strand). Cytogenetic location: 2q36.3.
Variant type: single nucleotide variant.
Coding change: c.977G>A on transcript NM_000092.5 (MANE Select); coding-DNA position 977, G replaced by A.
Protein change: p.Gly326Glu; replaces glycine 326 with glutamic acid.
Molecular consequence: missense variant.
Genome position (GRCh38, 1-based): chr2:227,101,556, C>T on the plus strand (G>A on the coding strand, the complement: COL4A4 is on the minus strand). VCF-style: chr2-227101556-C-T. GRCh37 (hg19) VCF-style: chr2-227966272-C-T.
Other names: short protein forms G326E.
Identifiers: ClinVar variation 1676826 (VCV001676826.2), dbSNP rs2150773718, ClinGen allele CA350856043.
Genomic context (GRCh38, chr2:227,101,556, plus strand): 5'-CTTTTTACCTTTGGGCCAATTAATCCAAATAGCCCAGGATCTCCAACCAGTCCTAGTTCT[C>T]CCTACAAACAAGCACAAACATGCCTTAAAAAAAAAAAGTGACTGGGTGACAAATTATCTC-3'
Protein context (NP_000083.3, residues 316-336): YGSPGFPGLK[Gly326Glu]ELGLVGDPGL

ClinVar aggregate classification (germline): Likely pathogenic (1 of 4 stars; one submission).

Submission:

MVZ Dr. Eberhard & Partner Dortmund
Classification: Likely pathogenic. Last evaluated: 2021-09-08. Review status: criteria provided, single submitter. Criteria: ACMG Guidelines, 2015. Collection method: clinical testing. Allele origin: unknown. Observed: 1 heterozygote.
Comment: This sequence change is likely causing a substitution of glycine with glutamic acid at position 326 in the COL4A4 protein (Grantham dist. 98, moderately conservative), where especially glycine residues in the collagenous domain are highly conserved. This amino acid can be recognized as a critical residue in the collagenous domain equivalent to a functional domain. Only a low rate of benign missense mutations is known in this gene and missense mutations are a common mechanism of this disease. The variant has not been reported in literature and is not present in controls from the Exome Sequencing Project, 1000 Genomes Project and the Genome Aggregation Database. The variant is listed in LOVD3 (unclassified) and in Varsome (likely pathogenic). Multiple lines of computational evidence also support a deleterious effect on the gene product (SIFT: deleterious; MutationTaster: disease causing; Polyphen-2: probably damaging). This variant is considered to be likely pathogenic according to the ACMG guidelines.